The following is an entry in ClinVar:

ClinVar aggregate classification (germline): Pathogenic (0 of 4 stars; one submission).

Conditions:
Global developmental delay (DD). Also called: Cognitive delay. Identifiers: MedGen C0557874, HP:0001263. Disease mechanism: loss of function.
Cerebellar vermis atrophy. Identifiers: MedGen C0742028, HP:0006855.
Generalized hypotonia. Identifiers: MedGen C1858120, HP:0001290.
Visual impairment. Also called: Impaired vision; vision problems. Identifiers: MedGen C3665347, HP:0000505.
Seizure. Also called: Seizures. Identifiers: MedGen C0036572, HP:0001250.

Submission:

Lupski Lab, Baylor-Hopkins CMG, Baylor College of Medicine
Classification: Pathogenic for Cerebellar vermis atrophy; Seizure; Global developmental delay; Generalized hypotonia; Visual impairment. Review status: no assertion criteria provided. Collection method: research. Allele origin: de novo. Inheritance: Autosomal dominant inheritance. Affected: yes.

NM_003490.4(SYN3):c.1444_1445delinsTT (p.Pro482Leu)

Gene: SYN3 (synapsin III; minus strand). Cytogenetic location: 22q12.3.
Variant type: Indel.
Coding change: c.1444_1445delinsTT on transcript NM_003490.4 (MANE Select); coding-DNA positions 1444 to 1445, CC replaced by TT.
Protein change: p.Pro482Leu; replaces proline 482 with leucine.
Molecular consequence: missense variant. On other transcripts: intron variant (1).
Genome position (GRCh38, 1-based): chr22:32,518,208-32,518,209, GG replaced by AA on the plus strand (CC replaced by TT on the coding strand, the reverse complement: SYN3 is on the minus strand). VCF-style: chr22-32518208-GG-AA. GRCh37 (hg19) VCF-style: chr22-32914195-GG-AA.
Other names: c.1441_1442delinsTT, p.Pro481Leu (NM_001135774.2, NM_001369909.1, NM_001369910.1); c.1444_1445delinsTT, p.Pro482Leu (NM_001369907.1, NM_001369908.1); c.1319-4385_1319-4384delinsTT (NM_133633.3); short protein forms P481L, P482L.
Identifiers: ClinVar variation 375384 (VCV000375384.1), dbSNP rs1057519444, ClinGen allele CA16044239.